The following is an entry in ClinVar:

ClinVar aggregate classification (germline): Pathogenic (1 of 4 stars; one submission).

Conditions:
LAMA2-related muscular dystrophy (LAMA2-RD). Also called: Laminin alpha 2-related dystrophy. Identifiers: MedGen C5679788, MONDO:0100228.

Allele frequency attached by ClinVar (database versions not stated): TOPMed below 0.00001.

Submission:

Labcorp Genetics (formerly Invitae), Labcorp
Classification: Pathogenic for LAMA2-related muscular dystrophy. Last evaluated: 2020-08-20. Review status: criteria provided, single submitter. Criteria: Invitae Variant Classification Sherloc (09022015). Collection method: clinical testing. Allele origin: germline.
Comment: This sequence change creates a premature translational stop signal (p.Lys1932Metfs*29) in the LAMA2 gene. It is expected to result in an absent or disrupted protein product. This variant is not present in population databases (ExAC no frequency). This variant has not been reported in the literature in individuals with LAMA2-related conditions. Loss-of-function variants in LAMA2 are known to be pathogenic (PMID: 18700894). For these reasons, this variant has been classified as Pathogenic.

Literature cited by the submitters: PubMed 18700894.

NM_000426.4(LAMA2):c.5795_5804del (p.Lys1932fs)

Gene: LAMA2 (laminin subunit alpha 2; plus strand). Cytogenetic location: 6q22.33.
Variant type: Deletion.
Coding change: c.5795_5804del on transcript NM_000426.4 (MANE Select); coding-DNA positions 5795 to 5804, 10 bases deleted (AGGACTATAT; older notation c.5795_5804delAGGACTATAT).
Protein change: p.Lys1932fs; shifts the reading frame from lysine 1932.
Molecular consequence: frameshift variant.
Genome position (GRCh38, 1-based): chr6:129,403,889-129,403,898, AGGACTATAT deleted. VCF-style (leftmost placement, unchanged base first): chr6-129403888-AAGGACTATAT-A. GRCh37 (hg19) VCF-style: chr6-129725033-AAGGACTATAT-A.
Other names: c.5795_5804del, p.Lys1932fs (NM_001079823.2); short protein forms K1932fs.
Identifiers: ClinVar variation 1068853 (VCV001068853.7), dbSNP rs1780109910, ClinGen allele CA1663133103.
Genomic context (GRCh38, chr6:129,403,888, plus strand): 5'-GATGAGGCTAAAAACATCTCCTTCAATGCCACTGCAGCCTTCAAAGCTTACAGCAATATT[AAGGACTATAT>A]TGATGAAGCTGAGAAAGTTGCCAAAGAAGCCAAAGATCTTGCACATGAAGCTACAAAACT-3'